The following is an entry in ClinVar:

NM_025074.7(FRAS1):c.6603C>T (p.Val2201=)

Gene: FRAS1 (Fraser extracellular matrix complex subunit 1; plus strand). Cytogenetic location: 4q21.21.
Variant type: single nucleotide variant.
Coding change: c.6603C>T on transcript NM_025074.7 (MANE Select); coding-DNA position 6603, C replaced by T.
Protein change: p.Val2201=; no amino-acid change (valine 2201 retained).
Molecular consequence: synonymous variant.
Genome position (GRCh38, 1-based): chr4:78,452,194, C>T. VCF-style: chr4-78452194-C-T. GRCh37 (hg19) VCF-style: chr4-79373348-C-T.
Other names: c.6603C>T (NM_025074.6).
Identifiers: ClinVar variation 1917479 (VCV001917479.7), dbSNP rs375058898, ClinGen allele CA2977840.

ClinVar aggregate classification (germline): Likely benign. Review status: criteria provided, single submitter (1 of 4 stars). 2 submissions from 2 submitters: Likely benign (1). 1 of the submissions does not count toward it. Last evaluated 2025-06-12.

Conditions:
FRAS1-related disorder. Also called: FRAS1-related condition.

Allele frequency attached by ClinVar (database versions not stated): ExAC 0.00001; gnomAD exomes 0.00001; gnomAD 0.00006; TOPMed 0.00008; ESP Exome Variant Server 0.00025.
gnomAD v4.1: 27 of 1,613,552 alleles (0.0017%); highest among the groups gnomAD compares: African/African-American, 0.027%; no homozygotes.

Submissions (2):

Labcorp Genetics (formerly Invitae), Labcorp
Classification: Likely benign. Last evaluated: 2025-06-12. Review status: criteria provided, single submitter. Criteria: Invitae Variant Classification Sherloc (09022015). Collection method: clinical testing. Allele origin: germline.

PreventionGenetics, part of Exact Sciences
Classification: Likely benign for FRAS1-related condition. Last evaluated: 2022-05-25. Review status: no assertion criteria provided. Collection method: clinical testing. Allele origin: germline. Not counted in ClinVar's aggregate classification.
Comment: This variant is classified as likely benign based on ACMG/AMP sequence variant interpretation guidelines (Richards et al. 2015 PMID: 25741868, with internal and published modifications).